The following is an entry in ClinVar:

ClinVar aggregate classification (germline): Pathogenic (1 of 4 stars; one submission).

Conditions:
Nephrotic syndrome, IIa 26. Also called: Nephrotic syndrome, type 26. Identifiers: MedGen C5774221, MONDO:0031061, OMIM 620049.

gnomAD v4.1: 1 of 1,584,596 alleles (0.000063%); highest among the groups gnomAD compares: Non-Finnish European, 0.000086%; no homozygotes.

Submission:

3billion
Classification: Pathogenic for Nephrotic syndrome, IIa 26. Last evaluated: 2024-11-02. Review status: criteria provided, single submitter. Criteria: ACMG Guidelines, 2015. Collection method: clinical testing. Allele origin: germline. Affected: yes.
Comment: The variant is observed at an extremely low frequency in the gnomAD v4.1.0 dataset (total allele frequency: <0.001%). Predicted Consequence/Location: Stop-gained (nonsense): predicted to result in a loss or disruption of normal protein function through nonsense-mediated decay (NMD) or protein truncation. Multiple pathogenic variants are reported downstream of the variant. The variant has been reported to be associated with LAMA5 related disorder (ClinVar ID: VCV002444312 /PMID: 36714636 /3billion dataset). Therefore, this variant is classified as Pathogenic (PVS1_VS, PM2_M, PM3_M, PP5_P) according to the recommendation of ACMG/AMP guideline.

Literature cited by the submitters: PubMed 36714636.

NM_005560.6(LAMA5):c.6883C>T (p.Gln2295Ter)

Gene: LAMA5 (laminin subunit alpha 5; minus strand). Cytogenetic location: 20q13.33.
Variant type: single nucleotide variant.
Coding change: c.6883C>T on transcript NM_005560.6 (MANE Select); coding-DNA position 6883, C replaced by T.
Protein change: p.Gln2295Ter; replaces glutamine 2295 with a stop codon.
Molecular consequence: nonsense.
Genome position (GRCh38, 1-based): chr20:62,319,002, G>A on the plus strand (C>T on the coding strand, the complement: LAMA5 is on the minus strand). VCF-style: chr20-62319002-G-A. GRCh37 (hg19) VCF-style: chr20-60894058-G-A.
Other names: short protein forms Q2295*.
Identifiers: ClinVar variation 2444312 (VCV002444312.2), dbSNP rs2515981247, ClinGen allele CA409555016.
Genomic context (GRCh38, chr20:62,319,002, plus strand): 5'-TCCGGAGCAGCTGCTCACCTGATGGAGCCGAGGCATTGGCCAGCCCCAGGTGGCCCGTCT[G>A]GGACATGAGCTCTGTGGGGCAGGGGTTCGTCAGAGCCTGGGGCCGCCCGTACTAGTGCAC-3'